The following is an entry in ClinVar:

NM_014363.6(SACS):c.7585A>G (p.Thr2529Ala)

Gene: SACS (sacsin molecular chaperone; minus strand). Cytogenetic location: 13q12.12.
Variant type: single nucleotide variant.
Coding change: c.7585A>G on transcript NM_014363.6 (MANE Select); coding-DNA position 7585, A replaced by G.
Protein change: p.Thr2529Ala; replaces threonine 2529 with alanine.
Molecular consequence: missense variant.
Genome position (GRCh38, 1-based): chr13:23,336,291, T>C on the plus strand (A>G on the coding strand, the complement: SACS is on the minus strand). VCF-style: chr13-23336291-T-C. GRCh37 (hg19) VCF-style: chr13-23910430-T-C.
Other names: c.7144A>G, p.Thr2382Ala (NM_001278055.2); short protein forms T2382A, T2529A.
Identifiers: ClinVar variation 2059106 (VCV002059106.1), dbSNP rs1834197438, ClinGen allele CA387518708.
Genomic context (GRCh38, chr13:23,336,291, plus strand): 5'-GCTCTTTCAACATTTCCTTTTCAGAAGGATATGCATTAAGGATGCTCTTAATTCTGCTGG[T>C]CAATTTTTCTTTCTGCCCAAATTCTGTGCCAAGTGTTGTAAAACAGACATTGGATGCATA-3'
Protein context (NP_055178.3, residues 2519-2539): GTEFGQKEKL[Thr2529Ala]SRIKSILNAY

ClinVar aggregate classification (germline): Uncertain significance (1 of 4 stars; one submission).

Conditions:
Spastic paraplegia. Identifiers: MedGen C0037772, HP:0001258.

Allele frequency attached by ClinVar (database versions not stated): gnomAD 0.00001; gnomAD exomes 0.00001.
gnomAD v4.1: 11 of 1,613,984 alleles (0.00068%); highest among the groups gnomAD compares: African/African-American, 0.0013%; no homozygotes.

Submission:

Labcorp Genetics (formerly Invitae), Labcorp
Classification: Uncertain significance for Spastic paraplegia. Last evaluated: 2022-06-10. Review status: criteria provided, single submitter. Criteria: Invitae Variant Classification Sherloc (09022015). Collection method: clinical testing. Allele origin: germline.
Comment: This sequence change replaces threonine, which is neutral and polar, with alanine, which is neutral and non-polar, at codon 2529 of the SACS protein (p.Thr2529Ala). This variant is not present in population databases (gnomAD no frequency). This variant has not been reported in the literature in individuals affected with SACS-related conditions. Algorithms developed to predict the effect of missense changes on protein structure and function are either unavailable or do not agree on the potential impact of this missense change (SIFT: "Deleterious"; PolyPhen-2: "Probably Damaging"; Align-GVGD: "Class C0"). In summary, the available evidence is currently insufficient to determine the role of this variant in disease. Therefore, it has been classified as a Variant of Uncertain Significance.